The following is an entry in ClinVar:

NM_001851.6(COL9A1):c.1194C>T (p.Pro398=)

Gene: COL9A1 (collagen type IX alpha 1 chain; minus strand). Cytogenetic location: 6q13.
Variant type: single nucleotide variant.
Coding change: c.1194C>T on transcript NM_001851.6 (MANE Select); coding-DNA position 1194, C replaced by T.
Protein change: p.Pro398=; no amino-acid change (proline 398 retained).
Molecular consequence: synonymous variant. On other transcripts: non-coding transcript variant (1).
Genome position (GRCh38, 1-based): chr6:70,270,317, G>A on the plus strand (C>T on the coding strand, the complement: COL9A1 is on the minus strand). VCF-style: chr6-70270317-G-A. GRCh37 (hg19) VCF-style: chr6-70980020-G-A.
Other names: c.1194C>T (NM_001851.4); c.465C>T, p.Pro155= (NM_001377289.1, NM_001377290.1, NM_078485.4).
Identifiers: ClinVar variation 4892772 (VCV004892772.2).

ClinVar aggregate classification (germline): Likely benign. Review status: criteria provided, multiple submitters, no conflicts (2 of 4 stars). 2 submissions from 2 submitters: Likely benign (2). Last evaluated 2025-03-31.

Conditions:
COL9A1-related disorder. Also called: COL9A1-related condition; COL9A1-related disorders.

gnomAD v4.1: 4 of 1,613,634 alleles (0.00025%); highest among the groups gnomAD compares: East Asian, 0.0022%; no homozygotes.

Submissions (2):

PreventionGenetics, part of Exact Sciences
Classification: Likely benign for COL9A1-related condition. Last evaluated: 2025-03-31. Review status: criteria provided, single submitter. Criteria: ACMG Guidelines, 2015. Collection method: clinical testing. Allele origin: germline.
Comment: This variant is classified as likely benign based on ACMG/AMP sequence variant interpretation guidelines (Richards et al. 2015 PMID: 25741868, with internal and published modifications).

Blueprint Genetics
Classification: Likely benign. Last evaluated: 2022-08-26. Review status: criteria provided, single submitter. Criteria: ACMG Guidelines, 2015. Collection method: clinical testing. Allele origin: germline.